The following is an entry in ClinVar:

ClinVar aggregate classification (germline): Uncertain significance (1 of 4 stars; one submission).

Conditions:
Bethlem myopathy 1A. Also called: Bethlem myopathy 1; Bethlem Muscular Dystrophy; MYOPATHY, BENIGN CONGENITAL, WITH CONTRACTURES. Identifiers: Orphanet 610, MedGen CN029274, MONDO:0024530, OMIM 158810.

Submission:

Labcorp Genetics (formerly Invitae), Labcorp
Classification: Uncertain significance for Bethlem myopathy 1A. Last evaluated: 2025-07-20. Review status: criteria provided, single submitter. Criteria: Invitae Variant Classification Sherloc (09022015). Collection method: clinical testing. Allele origin: germline.
Comment: This sequence change replaces lysine, which is basic and polar, with threonine, which is neutral and polar, at codon 1325 of the COL6A3 protein (p.Lys1325Thr). This variant is not present in population databases (gnomAD no frequency). This variant has not been reported in the literature in individuals affected with COL6A3-related conditions. Invitae Evidence Modeling of protein sequence and biophysical properties (such as structural, functional, and spatial information, amino acid conservation, physicochemical variation, residue mobility, and thermodynamic stability) indicates that this missense variant is not expected to disrupt COL6A3 protein function with a negative predictive value of 80%. In summary, the available evidence is currently insufficient to determine the role of this variant in disease. Therefore, it has been classified as a Variant of Uncertain Significance.

NM_004369.4(COL6A3):c.3974A>C (p.Lys1325Thr)

Gene: COL6A3 (collagen type VI alpha 3 chain; minus strand). Cytogenetic location: 2q37.3.
Variant type: single nucleotide variant.
Coding change: c.3974A>C on transcript NM_004369.4 (MANE Select); coding-DNA position 3974, A replaced by C.
Protein change: p.Lys1325Thr; replaces lysine 1325 with threonine.
Molecular consequence: missense variant.
Genome position (GRCh38, 1-based): chr2:237,372,043, T>G on the plus strand (A>C on the coding strand, the complement: COL6A3 is on the minus strand). VCF-style: chr2-237372043-T-G. GRCh37 (hg19) VCF-style: chr2-238280686-T-G.
Other names: c.2753A>C, p.Lys918Thr (NM_057164.5); c.3356A>C, p.Lys1119Thr (NM_057165.5, NM_057167.4); c.2153A>C, p.Lys718Thr (NM_057166.5); short protein forms K1325T, K1119T, K918T, K718T.
Identifiers: ClinVar variation 4761097 (VCV004761097.1).